The following is an entry in ClinVar:

NM_020738.4(KIDINS220):c.4356del (p.Met1452fs)

Gene: KIDINS220 (kinase D interacting substrate 220; minus strand). Cytogenetic location: 2p25.1.
Variant type: Deletion.
Coding change: c.4356del on transcript NM_020738.4 (MANE Select); coding-DNA position 4356, one base deleted (G; older notation c.4356delG).
Protein change: p.Met1452fs; shifts the reading frame from methionine 1452.
Molecular consequence: frameshift variant. On other transcripts: intron variant (6).
Genome position (GRCh38, 1-based): chr2:8,731,680, C deleted on the plus strand (G on the coding strand, the reverse complement: KIDINS220 is on the minus strand). VCF-style (leftmost placement, unchanged base first): chr2-8731679-TC-T. GRCh37 (hg19) VCF-style: chr2-8871809-TC-T.
Other names: c.4359del, p.Met1453fs (NM_001348729.2); c.4302del, p.Met1434fs (NM_001348731.2); c.4299del, p.Met1433fs (NM_001348732.2); c.4188del, p.Met1396fs (NM_001348734.2); c.4185del, p.Met1395fs (NM_001348735.2); c.4059del, p.Met1353fs (NM_001348736.2); c.3882+1764del (NM_001348741.2, NM_001348742.2, NM_001348743.2); c.3996+1764del (NM_001348738.2); and 1 more; short protein forms M1353fs, M1395fs, M1396fs, M1433fs, M1434fs, M1452fs, M1453fs.
Identifiers: ClinVar variation 3345815 (VCV003345815.1).

ClinVar aggregate classification (germline): Likely pathogenic (0 of 4 stars; one submission).

Conditions:
KIDINS220-related disorder. Also called: KIDINS220-related condition.

Submission:

PreventionGenetics, part of Exact Sciences
Classification: Likely pathogenic for KIDINS220-related condition. Last evaluated: 2024-05-22. Review status: no assertion criteria provided. Collection method: clinical testing. Allele origin: germline.
Comment: The KIDINS220 c.4356delG variant is predicted to result in a frameshift and premature protein termination (p.Met1452Ilefs*56). To our knowledge, this variant has not been reported in the literature or in a large population database, indicating this variant is rare. Frameshift variants in KIDINS220 are expected to be pathogenic. This variant is located in exon 30 of 30, and therefore is expected to be pathogenic for autosomal dominant and recessive KIDINS220 associated disorders. This variant is interpreted as likely pathogenic.